The following is an entry in ClinVar:

NM_000135.4(FANCA):c.1244T>C (p.Met415Thr)

Gene: FANCA (FA complementation group A; minus strand). Cytogenetic location: 16q24.3.
Variant type: single nucleotide variant.
Coding change: c.1244T>C on transcript NM_000135.4 (MANE Select); coding-DNA position 1244, T replaced by C.
Protein change: p.Met415Thr; replaces methionine 415 with threonine.
Molecular consequence: missense variant.
Genome position (GRCh38, 1-based): chr16:89,791,518, A>G on the plus strand (T>C on the coding strand, the complement: FANCA is on the minus strand). VCF-style: chr16-89791518-A-G. GRCh37 (hg19) VCF-style: chr16-89857926-A-G.
Other names: c.1244T>C (LRG_495t1); c.1244T>C, p.Met415Thr (NM_001286167.3); short protein forms M415T.
Identifiers: ClinVar variation 569979 (VCV000569979.13), dbSNP rs912838333, ClinGen allele CA286592299.
Genomic context (GRCh38, chr16:89,791,518, plus strand): 5'-CGCACAACCAGGAACGCAGTGACCATGCTGTCCAGCTGGCAGCTCTCGAATGCCTGGGCC[A>G]TCAAACGCGCCACCCAGTCTAGTTAAGAACCATGACATAGTCACAGCAAGGCAAGGGCAG-3'
Protein context (NP_000126.2, residues 405-425): QLLEDWVARL[Met415Thr]AQAFESCQLD

ClinVar aggregate classification (germline): Uncertain significance. Review status: criteria provided, multiple submitters, no conflicts (2 of 4 stars). 3 submissions from 3 submitters: Uncertain significance (2). 1 of the submissions does not count toward it. Last evaluated 2024-03-20.

Conditions:
Fanconi anemia (FA). Also called: Fanconi's anemia. Identifiers: Orphanet 84, MedGen C0015625, MeSH D005199, MONDO:0019391.
Fanconi anemia complementation group A (FANCA). Also called: Fanconi anemia, group A; FANCA-Related Fanconi Anemia. Identifiers: Orphanet 84, MedGen C3469521, MONDO:0009215, OMIM 227650.

Allele frequency attached by ClinVar (database versions not stated): gnomAD exomes below 0.00001; gnomAD 0.00001.

Submissions (3):

Labcorp Genetics (formerly Invitae), Labcorp
Classification: Uncertain significance for Fanconi anemia. Last evaluated: 2024-03-20. Review status: criteria provided, single submitter. Criteria: Invitae Variant Classification Sherloc (09022015). Collection method: clinical testing. Allele origin: germline.
Comment: This sequence change replaces methionine, which is neutral and non-polar, with threonine, which is neutral and polar, at codon 415 of the FANCA protein (p.Met415Thr). This variant is not present in population databases (gnomAD no frequency). This variant has not been reported in the literature in individuals affected with FANCA-related conditions. ClinVar contains an entry for this variant (Variation ID: 569979). Advanced modeling of protein sequence and biophysical properties (such as structural, functional, and spatial information, amino acid conservation, physicochemical variation, residue mobility, and thermodynamic stability) performed at Invitae indicates that this missense variant is expected to disrupt FANCA protein function with a positive predictive value of 80%. In summary, the available evidence is currently insufficient to determine the role of this variant in disease. Therefore, it has been classified as a Variant of Uncertain Significance.

Revvity Omics, Revvity
Classification: Uncertain significance for Fanconi anemia complementation group A. Last evaluated: 2020-12-04. Review status: criteria provided, single submitter. Criteria: ACMG Guidelines, 2015. Collection method: clinical testing. Allele origin: germline.

Natera, Inc.
Classification: Uncertain significance for Fanconi anemia. Last evaluated: 2020-07-23. Review status: no assertion criteria provided. Collection method: clinical testing. Allele origin: germline. Not counted in ClinVar's aggregate classification.